The following is an entry in ClinVar:

ClinVar aggregate classification (germline): Uncertain significance. Review status: criteria provided, multiple submitters, no conflicts (2 of 4 stars). 2 submissions from 2 submitters: Uncertain significance (2). Last evaluated 2025-06-25.

Conditions:
Inborn genetic diseases. Identifiers: MedGen C0950123, MeSH D030342.
Combined immunodeficiency due to LRBA deficiency. Also called: Common variable immunodeficiency 8, with autoimmunity. Identifiers: Orphanet 445018, MedGen C3553512, MONDO:0013863, OMIM 614700.

Allele frequency attached by ClinVar (database versions not stated): gnomAD exomes below 0.00001; gnomAD 0.00001; TOPMed 0.00001.
gnomAD v4.1: 2 of 1,604,788 alleles (0.00012%); highest among the groups gnomAD compares: African/African-American, 0.0027%; no homozygotes.

Submissions (2):

Ambry Genetics
Classification: Uncertain significance for Inborn genetic diseases. Last evaluated: 2025-06-25. Review status: criteria provided, single submitter. Criteria: Ambry Variant Classification Scheme 2023. Collection method: clinical testing. Allele origin: germline.

Labcorp Genetics (formerly Invitae), Labcorp
Classification: Uncertain significance for Combined immunodeficiency due to LRBA deficiency. Last evaluated: 2022-08-19. Review status: criteria provided, single submitter. Criteria: Invitae Variant Classification Sherloc (09022015). Collection method: clinical testing. Allele origin: germline.
Comment: This sequence change replaces glycine, which is neutral and non-polar, with serine, which is neutral and polar, at codon 1397 of the LRBA protein (p.Gly1397Ser). This variant is not present in population databases (gnomAD no frequency). This variant has not been reported in the literature in individuals affected with LRBA-related conditions. ClinVar contains an entry for this variant (Variation ID: 1444644). Algorithms developed to predict the effect of missense changes on protein structure and function are either unavailable or do not agree on the potential impact of this missense change (SIFT: "Tolerated"; PolyPhen-2: "Probably Damaging"; Align-GVGD: "Class C0"). Algorithms developed to predict the effect of sequence changes on RNA splicing suggest that this variant may create or strengthen a splice site. In summary, the available evidence is currently insufficient to determine the role of this variant in disease. Therefore, it has been classified as a Variant of Uncertain Significance.

NM_001364905.1(LRBA):c.4189G>A (p.Gly1397Ser)

Gene: LRBA (LPS responsive beige-like anchor protein; minus strand). Cytogenetic location: 4q31.3.
Variant type: single nucleotide variant.
Coding change: c.4189G>A on transcript NM_001364905.1 (MANE Select); coding-DNA position 4189, G replaced by A.
Protein change: p.Gly1397Ser; replaces glycine 1397 with serine.
Molecular consequence: missense variant.
Genome position (GRCh38, 1-based): chr4:150,848,968, C>T on the plus strand (G>A on the coding strand, the complement: LRBA is on the minus strand). VCF-style: chr4-150848968-C-T. GRCh37 (hg19) VCF-style: chr4-151770120-C-T.
Other names: c.4189G>A, p.Gly1397Ser (NM_001199282.3, NM_001367550.1, NM_006726.5); short protein forms G1397S.
Identifiers: ClinVar variation 1444644 (VCV001444644.6), dbSNP rs1750242470, ClinGen allele CA358453505.